The following is an entry in ClinVar:

NM_005883.3(APC2):c.606C>A (p.Phe202Leu)

Genes: APC2 (APC regulator of Wnt signaling pathway 2; plus strand), LOC130062954 (ATAC-STARR-seq lymphoblastoid silent region 9716; plus strand). Cytogenetic location: 19p13.3.
Variant type: single nucleotide variant.
Coding change: c.606C>A on transcript NM_005883.3 (MANE Select); coding-DNA position 606, C replaced by A.
Protein change: p.Phe202Leu; replaces phenylalanine 202 with leucine.
Molecular consequence: missense variant.
Genome position (GRCh38, 1-based): chr19:1,455,467, C>A. VCF-style: chr19-1455467-C-A. GRCh37 (hg19) VCF-style: chr19-1455466-C-A.
Other names: c.603C>A, p.Phe201Leu (NM_001351273.1); short protein forms F201L, F202L.
Identifiers: ClinVar variation 3360938 (VCV003360938.2).

ClinVar aggregate classification (germline): Uncertain significance (1 of 4 stars; one submission).

gnomAD v4.1: 25 of 1,604,216 alleles (0.0016%); highest among the groups gnomAD compares: South Asian, 0.027%; 1 homozygote.

Submission:

GeneDx
Classification: Uncertain significance. Last evaluated: 2024-12-09. Review status: criteria provided, single submitter. Criteria: GeneDx Variant Classification Process June 2021. Collection method: clinical testing. Allele origin: germline.
Comment: In silico analysis supports that this missense variant has a deleterious effect on protein structure/function; Has not been previously published as pathogenic or benign to our knowledge